The following is an entry in ClinVar:

NM_000059.4(BRCA2):c.5826_5827del (p.Val1942_Ser1943insTer)

Gene: BRCA2 (BRCA2 DNA repair associated; plus strand). Cytogenetic location: 13q13.1.
Variant type: Deletion.
Coding change: c.5826_5827del on transcript NM_000059.4 (MANE Select); coding-DNA positions 5826 to 5827, 2 bases deleted (TT; older notation c.5826_5827delTT).
Protein change: p.Val1942_Ser1943insTer.
Molecular consequence: frameshift variant.
Genome position (GRCh38, 1-based): chr13:32,340,181-32,340,182, TT deleted; deleting any 2 consecutive bases within chr13:32,340,180-32,340,182 gives the same sequence; the c. name uses the placement nearest the transcript's 3' end. VCF-style (leftmost placement, unchanged base first): chr13-32340179-GTT-G. GRCh37 (hg19) VCF-style: chr13-32914316-GTT-G.
Other names: c.5826_5827delTT (NM_000059.3).
Identifiers: ClinVar variation 531366 (VCV000531366.18), dbSNP rs1555284412, ClinGen allele CA658798122.

ClinVar aggregate classification (germline): Pathogenic. Review status: criteria provided, multiple submitters, no conflicts (2 of 4 stars). 6 submissions from 6 submitters: Pathogenic (5). 1 of the submissions does not count toward it. Last evaluated 2023-11-28.

Conditions:
Breast-ovarian cancer, familial, susceptibility to, 2 (BROVCA2). Also called: BRCA2 Hereditary Breast and Ovarian Cancer. Identifiers: Orphanet 145, MedGen C2675520, MONDO:0012933, OMIM 612555. Disease mechanism: loss of function.
Hereditary cancer-predisposing syndrome. Also called: Neoplastic Syndromes, Hereditary; Hereditary neoplastic syndrome; Tumor predisposition; Hereditary Cancer Syndrome. Identifiers: Orphanet 140162, MedGen C0027672, MeSH D009386, MONDO:0015356.
Hereditary breast ovarian cancer syndrome. Also called: Hereditary breast and ovarian cancer syndrome; Hereditary breast and ovarian cancer syndrome (HBOC); BRCA1- and BRCA2-Associated Hereditary Breast and Ovarian Cancer; Hereditary breast and ovarian cancer; Breast and ovarian cancer; Hereditary breast and/or ovarian cancer syndrome. Identifiers: Orphanet 145, MedGen C0677776, MeSH D061325, MONDO:0003582. Disease mechanism: loss of function.

Submissions (6):

Labcorp Genetics (formerly Invitae), Labcorp
Classification: Pathogenic for Hereditary breast ovarian cancer syndrome. Last evaluated: 2023-11-28. Review status: criteria provided, single submitter. Criteria: Invitae Variant Classification Sherloc (09022015). Collection method: clinical testing. Allele origin: germline.
Comment: This sequence change creates a premature translational stop signal (p.Ser1943*) in the BRCA2 gene. It is expected to result in an absent or disrupted protein product. Loss-of-function variants in BRCA2 are known to be pathogenic (PMID: 20104584). This variant is not present in population databases (gnomAD no frequency). This variant has not been reported in the literature in individuals affected with BRCA2-related conditions. ClinVar contains an entry for this variant (Variation ID: 531366). For these reasons, this variant has been classified as Pathogenic.

Myriad Genetics, Inc.
Classification: Pathogenic for Breast-ovarian cancer, familial, susceptibility to, 2. Last evaluated: 2023-10-09. Review status: criteria provided, single submitter. Criteria: Myriad Autosomal Dominant, Autosomal Recessive and X-Linked Classification Criteria (2023). Collection method: clinical testing. Allele origin: unknown.
Comment: This variant is considered pathogenic. This variant creates a termination codon and is predicted to result in premature protein truncation.

Ambry Genetics
Classification: Pathogenic for Hereditary cancer-predisposing syndrome. Last evaluated: 2020-09-10. Review status: criteria provided, single submitter. Criteria: Ambry Variant Classification Scheme 2023. Collection method: clinical testing. Allele origin: germline.
Comment: The c.5826_5827delTT pathogenic mutation, located in coding exon 10 of the BRCA2 gene, results from a deletion of two nucleotides at nucleotide positions 5826 to 5827, causing a translational frameshift with a predicted alternate stop codon (p.S1943*). This alteration has been reported in multiple individuals diagnosed with breast and/or ovarian cancer (Laitman Y et al. Hum. Mutat., 2019 11;40:e1-e23; Siraj AK et al. Hum. Mutat., 2019 06;40:729-733). In addition to the clinical data presented in the literature, this alteration is expected to result in loss of function by premature protein truncation or nonsense-mediated mRNA decay. As such, this alteration is interpreted as a disease-causing mutation.

Color Diagnostics, LLC DBA Color Health
Classification: Pathogenic for Hereditary cancer-predisposing syndrome. Last evaluated: 2020-01-15. Review status: criteria provided, single submitter. Criteria: ACMG Guidelines, 2015. Collection method: clinical testing. Allele origin: germline.
Comment: This variant deletes 2 nucleotides in exon 11 of the BRCA2 gene, creating a frameshift and premature translation stop signal. This variant is expected to result in an absent or non-functional protein product. This variant has not been identified in the general population by the Genome Aggregation Database (gnomAD). Loss of BRCA2 function is a known mechanism of disease. Based on the available evidence, this variant is classified as Pathogenic.

Quest Diagnostics Nichols Institute San Juan Capistrano
Classification: Pathogenic. Last evaluated: 2019-05-10. Review status: criteria provided, single submitter. Criteria: Quest Diagnostics criteria. Collection method: clinical testing. Allele origin: germline.
Comment: The variant results in a shift of the reading frame, and is therefore predicted to result in the loss of a functional protein. Found in at least one symptomatic patient, and not found in general population data.

BRCAlab, Lund University
Classification: Pathogenic for Breast-ovarian cancer, familial, susceptibility to, 2. Last evaluated: 2020-03-02. Review status: no assertion criteria provided. Collection method: clinical testing. Allele origin: germline. Affected: yes. Not counted in ClinVar's aggregate classification.

Literature cited by the submitters: PubMed 20104584 (cited by Labcorp Genetics (formerly Invitae), Labcorp); PubMed 30825404 (cited by Ambry Genetics and Quest Diagnostics Nichols Institute San Juan Capistrano); PubMed 31209999 (cited by Ambry Genetics).